The following is an entry in ClinVar:

NM_001098816.3(TENM4):c.3299G>A (p.Arg1100His)

Gene: TENM4 (teneurin transmembrane protein 4; minus strand). Cytogenetic location: 11q14.1.
Variant type: single nucleotide variant.
Coding change: c.3299G>A on transcript NM_001098816.3 (MANE Select); coding-DNA position 3299, G replaced by A.
Protein change: p.Arg1100His; replaces arginine 1100 with histidine.
Molecular consequence: missense variant.
Genome position (GRCh38, 1-based): chr11:78,729,483, C>T on the plus strand (G>A on the coding strand, the complement: TENM4 is on the minus strand). VCF-style: chr11-78729483-C-T. GRCh37 (hg19) VCF-style: chr11-78440528-C-T.
Other names: short protein forms R1100H.
Identifiers: ClinVar variation 3053442 (VCV003053442.2), dbSNP rs780193847, ClinGen allele CA224935207.

ClinVar aggregate classification (germline): Uncertain significance (0 of 4 stars; one submission).

Conditions:
TENM4-related disorder. Also called: TENM4-related condition.

Allele frequency attached by ClinVar (database versions not stated): gnomAD 0.00001; gnomAD exomes 0.00001; TOPMed 0.00002.
gnomAD v4.1: 11 of 1,612,792 alleles (0.00068%); highest among the groups gnomAD compares: East Asian, 0.0045%; no homozygotes.

Submission:

PreventionGenetics, part of Exact Sciences
Classification: Uncertain significance for TENM4-related condition. Last evaluated: 2024-01-30. Review status: no assertion criteria provided. Collection method: clinical testing. Allele origin: germline.
Comment: The TENM4 c.3299G>A variant is predicted to result in the amino acid substitution p.Arg1100His. To our knowledge, this variant has not been reported in the literature. This variant is reported in 0.0066% of alleles in individuals of South Asian descent in gnomAD. At this time, the clinical significance of this variant is uncertain due to the absence of conclusive functional and genetic evidence.